The following is an entry in ClinVar:

NM_153033.5(KCTD7):c.*216A>G

Gene: KCTD7 (potassium channel tetramerization domain containing 7; plus strand). Cytogenetic location: 7q11.21.
Variant type: single nucleotide variant.
Coding change: c.*216A>G on transcript NM_153033.5 (MANE Select); 216 bases downstream of the stop codon, A replaced by G.
Molecular consequence: 3 prime UTR variant. On other transcripts: intron variant (1).
Genome position (GRCh38, 1-based): chr7:66,639,448, A>G. VCF-style: chr7-66639448-A-G. GRCh37 (hg19) VCF-style: chr7-66104435-A-G.
Other names: c.866+220A>G (NM_001167961.2).
Identifiers: ClinVar variation 360590 (VCV000360590.6), dbSNP rs77341088, ClinGen allele CA10629359.

ClinVar aggregate classification (germline): Benign. Review status: criteria provided, multiple submitters, no conflicts (2 of 4 stars). 2 submissions from 2 submitters: Benign (2). Last evaluated 2018-01-13.

Conditions:
Progressive myoclonic epilepsy type 3. Also called: EPILEPSY, PROGRESSIVE MYOCLONIC, 3, WITH OR WITHOUT INTRACELLULAR INCLUSIONS; CEROID LIPOFUSCINOSIS, NEURONAL, 14; EPILEPSY, PROGRESSIVE MYOCLONIC, 3, WITHOUT INTRACELLULAR INCLUSIONS; KCTD7-Related Progressive Myoclonic Epilepsy. Identifiers: Orphanet 263516, MedGen C2673257, MONDO:0012721, OMIM 611726.

Allele frequency attached by ClinVar (database versions not stated): gnomAD exomes 0.00318; gnomAD 0.00380 and 0.00543; TOPMed 0.00633; 1000 Genomes Project 30x 0.03186; 1000 Genomes Project 0.03415.
gnomAD v4.1: 5,229 of 1,455,078 alleles (0.36%); highest among the groups gnomAD compares: East Asian, 11%; 319 homozygotes.

Submissions (2):

Illumina Laboratory Services, Illumina
Classification: Benign for Progressive myoclonic epilepsy type 3. Last evaluated: 2018-01-13. Review status: criteria provided, single submitter. Criteria: ICSL Variant Classification Criteria 13 December 2019. Collection method: clinical testing. Allele origin: germline.
Comment: This variant was observed in the ICSL laboratory as part of a predisposition screen in an ostensibly healthy population. It had not been previously curated by ICSL or reported in the Human Gene Mutation Database (HGMD: prior to June 1st, 2018), and was therefore a candidate for classification through an automated scoring system. Utilizing variant allele frequency, disease prevalence and penetrance estimates, and inheritance mode, an automated score was calculated to assess if this variant is too frequent to cause the disease. Based on the score and internal cut-off values, a variant classified as benign is not then subjected to further curation. The score for this variant resulted in a classification of benign for this disease.

Breakthrough Genomics
Classification: Benign. Review status: criteria provided, single submitter. Criteria: ACMG Guidelines, 2015. Collection method: not provided. Allele origin: germline. Inheritance: Autosomal recessive inheritance. Affected: yes.